The following is an entry in ClinVar:

NM_001297.5(CNGB1):c.290+2T>C

Gene: CNGB1 (cyclic nucleotide gated channel subunit beta 1; minus strand). Cytogenetic location: 16q21.
Variant type: single nucleotide variant.
Coding change: c.290+2T>C on transcript NM_001297.5 (MANE Select); the canonical splice donor site of the intron after coding-DNA position 290, T replaced by C.
Molecular consequence: splice donor variant.
Genome position (GRCh38, 1-based): chr16:57,964,128, A>G on the plus strand (T>C on the coding strand, the complement: CNGB1 is on the minus strand). VCF-style: chr16-57964128-A-G. GRCh37 (hg19) VCF-style: chr16-57998032-A-G.
Other names: c.290+2T>C (NM_001297.4, NM_001286130.2, NM_001135639.2).
Identifiers: ClinVar variation 1066490 (VCV001066490.10), dbSNP rs1429797650, ClinGen allele CA396079943.

ClinVar aggregate classification (germline): Likely pathogenic. Review status: criteria provided, multiple submitters, no conflicts (2 of 4 stars). 4 submissions from 4 submitters: Likely pathogenic (4). Last evaluated 2025-12-08.

Conditions:
CNGB1-related disorder. Also called: CNGB1-related condition.
Retinitis pigmentosa (RP). Identifiers: Orphanet 791, MedGen C0035334, MeSH D012174, MONDO:0019200, OMIM 268000. Inheritance: Autosomal dominant, autosomal recessive and X linked inheritance.

Allele frequency attached by ClinVar (database versions not stated): gnomAD exomes below 0.00001; gnomAD 0.00001; TOPMed 0.00001.
gnomAD v4.1: 4 of 1,613,828 alleles (0.00025%); highest among the groups gnomAD compares: Admixed American, 0.0067%; no homozygotes.

Submissions (4):

PreventionGenetics, part of Exact Sciences
Classification: Likely pathogenic for CNGB1-related condition. Last evaluated: 2025-12-08. Review status: criteria provided, single submitter. Criteria: ACMG Guidelines, 2015. Collection method: clinical testing. Allele origin: germline.
Comment: The CNGB1 c.290+2T>C variant is predicted to disrupt the GT donor site and interfere with normal splicing. This variant has been reported in the homozygous state in an individual with inherited retinal disease (Villafuerte-de la Cruz et al. 2024. PubMed ID: 38347443). This variant is reported in 0.0029% of alleles in individuals of Latino descent in gnomAD. Variants that disrupt the consensus splice donor site in CNGB1 are expected to be pathogenic. This variant is interpreted as likely pathogenic.

Labcorp Genetics (formerly Invitae), Labcorp
Classification: Likely pathogenic. Last evaluated: 2024-11-11. Review status: criteria provided, single submitter. Criteria: Invitae Variant Classification Sherloc (09022015). Collection method: clinical testing. Allele origin: germline.
Comment: This sequence change affects a donor splice site in intron 4 of the CNGB1 gene. It is expected to disrupt RNA splicing. Variants that disrupt the donor or acceptor splice site typically lead to a loss of protein function (PMID: 16199547), and loss-of-function variants in CNGB1 are known to be pathogenic (PMID: 15557452, 24043777). This variant is present in population databases (no rsID available, gnomAD 0.003%). Disruption of this splice site has been observed in individual(s) with clinical features of CNGB1-related conditions (PMID: 36460718; internal data). ClinVar contains an entry for this variant (Variation ID: 1066490). Algorithms developed to predict the effect of sequence changes on RNA splicing suggest that this variant may disrupt the consensus splice site. In summary, the currently available evidence indicates that the variant is pathogenic, but additional data are needed to prove that conclusively. Therefore, this variant has been classified as Likely Pathogenic.

Women's Health and Genetics/Laboratory Corporation of America, LabCorp
Classification: Likely pathogenic for Retinitis pigmentosa. Last evaluated: 2023-07-27. Review status: criteria provided, single submitter. Criteria: LabCorp Variant Classification Summary - May 2015. Collection method: clinical testing. Allele origin: germline.
Comment: Variant summary: CNGB1 c.290+2T>C is located in a canonical splice-site and is predicted to affect mRNA splicing resulting in a significantly altered protein due to either exon skipping, shortening, or inclusion of intronic material. Several computational tools predict a significant impact on normal splicing: Three predict the variant abolishes the canonical 5' splicing donor site. However, these predictions have yet to be confirmed by functional studies. The variant allele was found at a frequency of 4e-06 in 249056 control chromosomes. c.290+2T>C has been reported in the literature as a non-informative genotype (carrier without a second allele) in an individual affected with Choroideremia (Corvi_2022). These report(s) do not provide unequivocal conclusions about association of the variant with Retinitis Pigmentosa. To our knowledge, no experimental evidence demonstrating an impact on protein function has been reported. One submitter has cited clinical-significance assessments for this variant to ClinVar after 2014 and has classified the variant as likely pathogenic. Based on the evidence outlined above, the variant was classified as likely pathogenic.

Blueprint Genetics
Classification: Likely pathogenic for CNGB1-related disorders. Last evaluated: 2018-12-17. Review status: criteria provided, single submitter. Criteria: ACMG Guidelines, 2015. Collection method: clinical testing. Allele origin: germline. Affected: yes. Observed: 3 variant alleles.

Literature cited by the submitters: PubMed 16199547 (cited by Labcorp Genetics (formerly Invitae), Labcorp); PubMed 15557452 (cited by Labcorp Genetics (formerly Invitae), Labcorp); PubMed 24043777 (cited by Labcorp Genetics (formerly Invitae), Labcorp); PubMed 36460718 (cited by Labcorp Genetics (formerly Invitae), Labcorp); PubMed 33394956 (cited by Women's Health and Genetics/Laboratory Corporation of America, LabCorp).